The following is an entry in ClinVar:

ClinVar aggregate classification (germline): Uncertain significance (1 of 4 stars; one submission).

Conditions:
Hereditary cancer-predisposing syndrome. Also called: Neoplastic Syndromes, Hereditary; Tumor predisposition; Hereditary Cancer Syndrome; Hereditary neoplastic syndrome. Identifiers: Orphanet 140162, MedGen C0027672, MeSH D009386, MONDO:0015356.

Submission:

Ambry Genetics
Classification: Uncertain significance for Hereditary cancer-predisposing syndrome. Last evaluated: 2026-02-27. Review status: criteria provided, single submitter. Criteria: Ambry Variant Classification Scheme 2023. Collection method: clinical testing. Allele origin: germline.
Comment: The p.G1531R variant (also known as c.4591G>C), located in coding exon 29 of the ALK gene, results from a G to C substitution at nucleotide position 4591. The glycine at codon 1531 is replaced by arginine, an amino acid with dissimilar properties. This amino acid position is conserved. In addition, this alteration is predicted to be tolerated by in silico analysis. Based on the available evidence, the clinical significance of this variant remains unclear.

NM_004304.5(ALK):c.4591G>C (p.Gly1531Arg)

Gene: ALK (ALK receptor tyrosine kinase; minus strand). Cytogenetic location: 2p23.2.
Variant type: single nucleotide variant.
Coding change: c.4591G>C on transcript NM_004304.5 (MANE Select); coding-DNA position 4591, G replaced by C.
Protein change: p.Gly1531Arg; replaces glycine 1531 with arginine.
Molecular consequence: missense variant.
Genome position (GRCh38, 1-based): chr2:29,193,496, C>G on the plus strand (G>C on the coding strand, the complement: ALK is on the minus strand). VCF-style: chr2-29193496-C-G. GRCh37 (hg19) VCF-style: chr2-29416362-C-G.
Other names: c.1387G>C, p.Gly463Arg (NM_001353765.2); short protein forms G463R, G1531R.
Identifiers: ClinVar variation 4827099 (VCV004827099.1).
Genomic context (GRCh38, chr2:29,193,496, plus strand): 5'-GAAGTCTCCCAGTTGCAACGTTAGGTGGGACAGTACAGCTTCCCTCCAGCCCCAGGTTAC[C>G]CCTGTCGTGTGGCTCCTTCTTTGCTATAGGATTATTCTTTTTGGTGGGTTTCTCTGTAAA-3'
Protein context (NP_004295.2, residues 1521-1541): PIAKKEPHDR[Gly1531Arg]NLGLEGSCTV